The following is an entry in ClinVar:

ClinVar aggregate classification (germline): Uncertain significance (1 of 4 stars; one submission).

Submission:

GeneDx
Classification: Uncertain significance. Last evaluated: 2022-09-29. Review status: criteria provided, single submitter. Criteria: GeneDx Variant Classification Process June 2021. Collection method: clinical testing. Allele origin: germline. Affected: yes.
Comment: Not observed at significant frequency in large population cohorts (gnomAD); In silico analysis supports that this missense variant does not alter protein structure/function; Has not been previously published as pathogenic or benign to our knowledge

NM_002430.3(MN1):c.2263T>A (p.Ser755Thr)

Gene: MN1 (MN1 proto-oncogene, transcriptional regulator; minus strand). Cytogenetic location: 22q12.1.
Variant type: single nucleotide variant.
Coding change: c.2263T>A on transcript NM_002430.3 (MANE Select); coding-DNA position 2263, T replaced by A.
Protein change: p.Ser755Thr; replaces serine 755 with threonine.
Molecular consequence: missense variant.
Genome position (GRCh38, 1-based): chr22:27,798,281, A>T on the plus strand (T>A on the coding strand, the complement: MN1 is on the minus strand). VCF-style: chr22-27798281-A-T. GRCh37 (hg19) VCF-style: chr22-28194269-A-T.
Other names: short protein forms S755T.
Identifiers: ClinVar variation 2446482 (VCV002446482.1), dbSNP rs1255476603, ClinGen allele CA411046044.
Genomic context (GRCh38, chr22:27,798,281, plus strand): 5'-TGCCACCGCCCCCTCCCGCGCTGGGGGGCGAGTTCACGCCTGGACCGCTGTGCGGCGTGG[A>T]CTGCCGGCCGGCTGCACCAAACGGAAAGCCCGGCTGGCCCCCGAGCGCAGACGTAGCAAA-3'
Protein context (NP_002421.3, residues 745-765): GFPFGAAGRQ[Ser755Thr]TPHSGPGVNS